The following is an entry in ClinVar:

ClinVar aggregate classification (germline): Conflicting classifications of pathogenicity. Review status: criteria provided, conflicting classifications (1 of 4 stars). 8 submissions from 8 submitters: Uncertain significance (1); Benign (1); Likely benign (4). 2 of the submissions do not count toward it. Last evaluated 2026-08-01.

Conditions:
Retinitis pigmentosa (RP). Identifiers: Orphanet 791, MedGen C0035334, MeSH D012174, MONDO:0019200, OMIM 268000. Inheritance: Autosomal dominant, autosomal recessive and X linked inheritance.
Retinitis pigmentosa 45 (RP45). Identifiers: Orphanet 791, MedGen C3151066, MONDO:0013413, OMIM 613767.

Allele frequency attached by ClinVar (database versions not stated): 1000 Genomes Project 30x 0.00109; 1000 Genomes Project 0.00120; TOPMed 0.00273; gnomAD 0.00304 and 0.00308; ESP Exome Variant Server 0.00321; gnomAD exomes 0.00337 and 0.00344; ExAC 0.00345.
gnomAD v4.1: 5,444 of 1,612,786 alleles (0.34%); highest among the groups gnomAD compares: Middle Eastern, 0.93%; 23 homozygotes.

Submissions (8):

CeGaT Center for Human Genetics Tuebingen
Classification: Likely benign. Last evaluated: 2026-08-01. Review status: criteria provided, single submitter. Criteria: CeGaT Center For Human Genetics Tuebingen Variant Classification Criteria Version 2. Collection method: clinical testing. Allele origin: germline. Affected: yes. Observed: 5 variant alleles.
Comment: CNGB1: BP4, BP7, BS2

Labcorp Genetics (formerly Invitae), Labcorp
Classification: Benign. Last evaluated: 2026-02-04. Review status: criteria provided, single submitter. Criteria: Invitae Variant Classification Sherloc (09022015). Collection method: clinical testing. Allele origin: germline.

Blueprint Genetics
Classification: Likely benign. Last evaluated: 2024-11-22. Review status: criteria provided, single submitter. Criteria: ACMG Guidelines, 2015. Collection method: clinical testing. Allele origin: germline.

ARUP Laboratories, Molecular Genetics and Genomics, ARUP Laboratories
Classification: Likely benign for Retinitis pigmentosa 45. Last evaluated: 2022-02-28. Review status: criteria provided, single submitter. Criteria: ARUP Molecular Germline Variant Investigation Process 2021. Collection method: clinical testing. Allele origin: germline.

Illumina Laboratory Services, Illumina
Classification: Uncertain significance for Retinitis pigmentosa. Last evaluated: 2018-01-13. Review status: criteria provided, single submitter. Criteria: ICSL Variant Classification Criteria 13 December 2019. Collection method: clinical testing. Allele origin: germline.

Eurofins Ntd Llc (ga)
Classification: Likely benign. Last evaluated: 2015-04-25. Review status: criteria provided, single submitter. Criteria: EGL Classification Definitions 2015. Collection method: clinical testing. Allele origin: germline. Observed: 1 variant allele, 1 heterozygote.

Clinical Genetics DNA and cytogenetics Diagnostics Lab, Erasmus MC, Erasmus Medical Center
Classification: Likely benign. Review status: no assertion criteria provided. Collection method: clinical testing. Allele origin: germline. Affected: yes. Study: VKGL Data-share Consensus. Not counted in ClinVar's aggregate classification.

Clinical Genetics, Academic Medical Center
Classification: Likely benign. Review status: no assertion criteria provided. Collection method: clinical testing. Allele origin: germline. Affected: yes. Study: VKGL Data-share Consensus. Not counted in ClinVar's aggregate classification.

NM_001297.5(CNGB1):c.1626C>T (p.Thr542=)

Gene: CNGB1 (cyclic nucleotide gated channel subunit beta 1; minus strand). Cytogenetic location: 16q21.
Variant type: single nucleotide variant.
Coding change: c.1626C>T on transcript NM_001297.5 (MANE Select); coding-DNA position 1626, C replaced by T.
Protein change: p.Thr542=; no amino-acid change (threonine 542 retained).
Molecular consequence: synonymous variant.
Genome position (GRCh38, 1-based): chr16:57,923,290, G>A on the plus strand (C>T on the coding strand, the complement: CNGB1 is on the minus strand). VCF-style: chr16-57923290-G-A. GRCh37 (hg19) VCF-style: chr16-57957194-G-A.
Other names: c.1608C>T, p.Thr536= (NM_001286130.2).
Identifiers: ClinVar variation 194827 (VCV000194827.58), dbSNP rs148735841, ClinGen allele CA201375.